The following is an entry in ClinVar:

NM_022369.4(STRA6):c.367G>C (p.Ala123Pro)

Gene: STRA6 (signaling receptor and transporter of retinol STRA6; minus strand). Cytogenetic location: 15q24.1.
Variant type: single nucleotide variant.
Coding change: c.367G>C on transcript NM_022369.4 (MANE Select); coding-DNA position 367, G replaced by C.
Protein change: p.Ala123Pro; replaces alanine 123 with proline.
Molecular consequence: missense variant.
Genome position (GRCh38, 1-based): chr15:74,196,047, C>G on the plus strand (G>C on the coding strand, the complement: STRA6 is on the minus strand). VCF-style: chr15-74196047-C-G. GRCh37 (hg19) VCF-style: chr15-74488388-C-G.
Other names: c.367G>C, p.Ala123Pro (NM_001142617.2, NM_001142618.2, NM_001142620.2); c.340G>C, p.Ala114Pro (NM_001142619.2); c.478G>C, p.Ala160Pro (NM_001199040.2); c.412G>C, p.Ala138Pro (NM_001199041.2); c.484G>C, p.Ala162Pro (NM_001199042.2); short protein forms A123P, A138P, A162P, A114P, A160P.
Identifiers: ClinVar variation 464034 (VCV000464034.16), dbSNP rs115067613, ClinGen allele CA7655018.

ClinVar aggregate classification (germline): Benign. Review status: criteria provided, multiple submitters, no conflicts (2 of 4 stars). 4 submissions from 4 submitters: Benign (4). Last evaluated 2026-02-01.

Conditions:
Microphthalmia, syndromic 9. Also called: SPEAR SYNDROME; Matthew-Wood syndrome; ANOPHTHALMIA, CLINICAL, WITH MILD FACIAL DYSMORPHISM AND VARIABLE MALFORMATIONS OF THE LUNG, HEART, AND DIAPHRAGM; ANOPHTHALMIA/MICROPHTHALMIA AND PULMONARY HYPOPLASIA; PULMONARY AGENESIS, MICROPHTHALMIA, AND DIAPHRAGMATIC DEFECT. Identifiers: Orphanet 2470, MedGen C1832661, MONDO:0011010, OMIM 601186.

Allele frequency attached by ClinVar (database versions not stated): 1000 Genomes Project 30x 0.00687; 1000 Genomes Project 0.00719; gnomAD 0.00746; TOPMed 0.00788; ESP Exome Variant Server 0.00878.
gnomAD v4.1: 2,151 of 1,613,966 alleles (0.13%); highest among the groups gnomAD compares: African/African-American, 2.6%; 36 homozygotes.

Submissions (4):

Labcorp Genetics (formerly Invitae), Labcorp
Classification: Benign for Microphthalmia, syndromic 9. Last evaluated: 2026-02-01. Review status: criteria provided, single submitter. Criteria: Invitae Variant Classification Sherloc (09022015). Collection method: clinical testing. Allele origin: germline.

GeneDx
Classification: Benign. Last evaluated: 2020-08-04. Review status: criteria provided, single submitter. Criteria: GeneDx Variant Classification Process June 2021. Collection method: clinical testing. Allele origin: germline. Affected: yes.
Comment: This variant is associated with the following publications: (PMID: 30653986)

Illumina Laboratory Services, Illumina
Classification: Benign for Microphthalmia, syndromic 9. Last evaluated: 2018-01-12. Review status: criteria provided, single submitter. Criteria: ICSL Variant Classification Criteria 13 December 2019. Collection method: clinical testing. Allele origin: germline.
Comment: This variant was observed in the ICSL laboratory as part of a predisposition screen in an ostensibly healthy population. It had not been previously curated by ICSL or reported in the Human Gene Mutation Database (HGMD: prior to June 1st, 2018), and was therefore a candidate for classification through an automated scoring system. Utilizing variant allele frequency, disease prevalence and penetrance estimates, and inheritance mode, an automated score was calculated to assess if this variant is too frequent to cause the disease. Based on the score and internal cut-off values, a variant classified as benign is not then subjected to further curation. The score for this variant resulted in a classification of benign for this disease.

Breakthrough Genomics
Classification: Benign. Review status: criteria provided, single submitter. Criteria: ACMG Guidelines, 2015. Collection method: not provided. Allele origin: germline. Inheritance: Autosomal recessive inheritance. Affected: yes.